The following is an entry in ClinVar:

ClinVar aggregate classification (germline): Likely benign (1 of 4 stars; one submission).

Conditions:
MRTFB-related disorder. Also called: MRTFB related condition; MRTFB-Related Disorders.

gnomAD v4.1: 45 of 1,614,042 alleles (0.0028%); highest among the groups gnomAD compares: Non-Finnish European, 0.0031%; no homozygotes.

Submission:

PreventionGenetics, part of Exact Sciences
Classification: Likely benign for MRTFB-related condition. Last evaluated: 2026-02-12. Review status: criteria provided, single submitter. Criteria: ACMG Guidelines, 2015. Collection method: clinical testing. Allele origin: germline.
Comment: This variant is classified as likely benign based on ACMG/AMP sequence variant interpretation guidelines (Richards et al. 2015 PMID: 25741868, with internal and published modifications).

NM_001308142.2(MRTFB):c.747A>T (p.Ala249=)

Gene: MRTFB (myocardin related transcription factor B; plus strand). Cytogenetic location: 16p13.12.
Variant type: single nucleotide variant.
Coding change: c.747A>T on transcript NM_001308142.2 (MANE Select); coding-DNA position 747, A replaced by T.
Protein change: p.Ala249=; no amino-acid change (alanine 249 retained).
Molecular consequence: synonymous variant.
Genome position (GRCh38, 1-based): chr16:14,234,199, A>T. VCF-style: chr16-14234199-A-T. GRCh37 (hg19) VCF-style: chr16-14328056-A-T.
Other names: c.714A>T, p.Ala238= (NM_001365411.2, NM_001365415.2); c.747A>T, p.Ala249= (NM_001365412.2, NM_014048.4); c.534A>T, p.Ala178= (NM_001365413.2, NM_001365414.2, NM_001365416.2).
Identifiers: ClinVar variation 4990467 (VCV004990467.1).